The following is an entry in ClinVar:

ClinVar aggregate classification (germline): Uncertain significance. Review status: criteria provided, multiple submitters, no conflicts (2 of 4 stars). 2 submissions from 2 submitters: Uncertain significance (2). Last evaluated 2024-09-22.

Conditions:
Hereditary cancer-predisposing syndrome. Also called: Hereditary Cancer Syndrome; Tumor predisposition; Hereditary neoplastic syndrome; Neoplastic Syndromes, Hereditary. Identifiers: Orphanet 140162, MedGen C0027672, MeSH D009386, MONDO:0015356.
Microcephaly, normal intelligence and immunodeficiency (NBS). Also called: BERLIN BREAKAGE SYNDROME; Immunodeficiency, microcephaly with normal intelligence; Ataxia telangiectasia variant V1; Nijmegen breakage syndrome; Microcephaly with normal intelligence immunodeficiency and lymphoreticular malignancies; Nonsyndromal microcephaly autosomal recessive with normal intelligence. Identifiers: Orphanet 647, MedGen C0398791, MONDO:0009623, OMIM 251260.

Submissions (2):

Ambry Genetics
Classification: Uncertain significance for Hereditary cancer-predisposing syndrome. Last evaluated: 2024-09-22. Review status: criteria provided, single submitter. Criteria: Ambry Variant Classification Scheme 2023. Collection method: clinical testing. Allele origin: germline.
Comment: The p.N412K variant (also known as c.1236T>A), located in coding exon 10 of the NBN gene, results from a T to A substitution at nucleotide position 1236. The asparagine at codon 412 is replaced by lysine, an amino acid with similar properties. This amino acid position is conserved. In addition, this alteration is predicted to be tolerated by in silico analysis. Based on the available evidence, the clinical significance of this variant remains unclear.

Labcorp Genetics (formerly Invitae), Labcorp
Classification: Uncertain significance for Microcephaly, normal intelligence and immunodeficiency. Last evaluated: 2022-06-09. Review status: criteria provided, single submitter. Criteria: Invitae Variant Classification Sherloc (09022015). Collection method: clinical testing. Allele origin: germline.
Comment: In summary, the available evidence is currently insufficient to determine the role of this variant in disease. Therefore, it has been classified as a Variant of Uncertain Significance. Algorithms developed to predict the effect of missense changes on protein structure and function output the following: SIFT: "Tolerated"; PolyPhen-2: "Benign"; Align-GVGD: "Class C0". The lysine amino acid residue is found in multiple mammalian species, which suggests that this missense change does not adversely affect protein function. This variant has not been reported in the literature in individuals affected with NBN-related conditions. This variant is not present in population databases (gnomAD no frequency). This sequence change replaces asparagine, which is neutral and polar, with lysine, which is basic and polar, at codon 412 of the NBN protein (p.Asn412Lys).

NM_002485.5(NBN):c.1236T>A (p.Asn412Lys)

Gene: NBN (nibrin; minus strand). Cytogenetic location: 8q21.3.
Variant type: single nucleotide variant.
Coding change: c.1236T>A on transcript NM_002485.5 (MANE Select); coding-DNA position 1236, T replaced by A.
Protein change: p.Asn412Lys; replaces asparagine 412 with lysine.
Molecular consequence: missense variant.
Genome position (GRCh38, 1-based): chr8:89,955,444, A>T on the plus strand (T>A on the coding strand, the complement: NBN is on the minus strand). VCF-style: chr8-89955444-A-T. GRCh37 (hg19) VCF-style: chr8-90967672-A-T.
Other names: c.990T>A, p.Asn330Lys (NM_001024688.3); short protein forms N330K, N412K.
Identifiers: ClinVar variation 2003714 (VCV002003714.5), dbSNP rs1563531964, ClinGen allele CA371656299.